The following is an entry in ClinVar:

NM_006914.4(RORB):c.161T>C (p.Ile54Thr)

Gene: RORB (RAR related orphan receptor B; plus strand). Cytogenetic location: 9q21.13.
Variant type: single nucleotide variant.
Coding change: c.161T>C on transcript NM_006914.4 (MANE Select); coding-DNA position 161, T replaced by C.
Protein change: p.Ile54Thr; replaces isoleucine 54 with threonine.
Molecular consequence: missense variant.
Genome position (GRCh38, 1-based): chr9:74,634,698, T>C. VCF-style: chr9-74634698-T-C. GRCh37 (hg19) VCF-style: chr9-77249614-T-C.
Other names: c.194T>C, p.Ile65Thr (NM_001365023.1); short protein forms I65T, I54T.
Identifiers: ClinVar variation 2492148 (VCV002492148.3), dbSNP rs2489566873, ClinGen allele CA373772238.
Genomic context (GRCh38, chr9:74,634,698, plus strand): 5'-TTAGGAGGAGCCAGCAGAACAATGCTTCTTATTCCTGCCCAAGGCAGAGAAACTGTTTAA[T>C]TGACAGAACGAACAGAAACCGTTGCCAACACTGCCGACTGCAGAAGTGTCTTGCCCTAGG-3'
Protein context (NP_008845.2, residues 44-64): YSCPRQRNCL[Ile54Thr]DRTNRNRCQH

ClinVar aggregate classification (germline): Likely pathogenic (1 of 4 stars; one submission).

Conditions:
Inborn genetic diseases. Identifiers: MedGen C0950123, MeSH D030342.

Submission:

Ambry Genetics
Classification: Likely pathogenic for Inborn genetic diseases. Last evaluated: 2023-04-12. Review status: criteria provided, single submitter. Criteria: Ambry Variant Classification Scheme 2023. Collection method: clinical testing. Allele origin: germline.
Comment: The c.161T>C (p.I54T) alteration is located in exon 3 (coding exon 3) of the RORB gene. This alteration results from a T to C substitution at nucleotide position 161, causing the isoleucine (I) at amino acid position 54 to be replaced by a threonine (T). This variant was not reported in population-based cohorts in the Genome Aggregation Database (gnomAD). This amino acid position is highly conserved in available vertebrate species. This alteration is predicted to be deleterious by in silico analysis. Based on the available evidence, this alteration is classified as likely pathogenic.